The following is an entry in ClinVar:

NM_003482.4(KMT2D):c.7460C>T (p.Thr2487Ile)

Gene: KMT2D (lysine methyltransferase 2D; minus strand). Cytogenetic location: 12q13.12.
Variant type: single nucleotide variant.
Coding change: c.7460C>T on transcript NM_003482.4 (MANE Select); coding-DNA position 7460, C replaced by T.
Protein change: p.Thr2487Ile; replaces threonine 2487 with isoleucine.
Molecular consequence: missense variant.
Genome position (GRCh38, 1-based): chr12:49,040,310, G>A on the plus strand (C>T on the coding strand, the complement: KMT2D is on the minus strand). VCF-style: chr12-49040310-G-A. GRCh37 (hg19) VCF-style: chr12-49434093-G-A.
Other names: short protein forms T2487I.
Identifiers: ClinVar variation 2994851 (VCV002994851.3), dbSNP rs2120526646, ClinGen allele CA384747654.

ClinVar aggregate classification (germline): Uncertain significance (1 of 4 stars; one submission).

Conditions:
Kabuki syndrome. Also called: Kabuki make-up syndrome; NIIKAWA-KUROKI SYNDROME. Identifiers: Orphanet 2322, MedGen C0796004, MONDO:0016512.

Submission:

Labcorp Genetics (formerly Invitae), Labcorp
Classification: Uncertain significance for Kabuki syndrome. Last evaluated: 2023-10-23. Review status: criteria provided, single submitter. Criteria: Invitae Variant Classification Sherloc (09022015). Collection method: clinical testing. Allele origin: germline.
Comment: This sequence change replaces threonine, which is neutral and polar, with isoleucine, which is neutral and non-polar, at codon 2487 of the KMT2D protein (p.Thr2487Ile). This variant is not present in population databases (gnomAD no frequency). This variant has not been reported in the literature in individuals affected with KMT2D-related conditions. Advanced modeling of protein sequence and biophysical properties (such as structural, functional, and spatial information, amino acid conservation, physicochemical variation, residue mobility, and thermodynamic stability) performed at Invitae indicates that this missense variant is not expected to disrupt KMT2D protein function with a negative predictive value of 95%. In summary, the available evidence is currently insufficient to determine the role of this variant in disease. Therefore, it has been classified as a Variant of Uncertain Significance.